The following is an entry in ClinVar:

NM_032043.3(BRIP1):c.1061C>T (p.Thr354Ile)

Gene: BRIP1 (BRCA1 interacting DNA helicase 1; minus strand). Cytogenetic location: 17q23.2.
Variant type: single nucleotide variant.
Coding change: c.1061C>T on transcript NM_032043.3 (MANE Select); coding-DNA position 1061, C replaced by T.
Protein change: p.Thr354Ile; replaces threonine 354 with isoleucine.
Molecular consequence: missense variant.
Genome position (GRCh38, 1-based): chr17:61,801,332, G>A on the plus strand (C>T on the coding strand, the complement: BRIP1 is on the minus strand). VCF-style: chr17-61801332-G-A. GRCh37 (hg19) VCF-style: chr17-59878693-G-A.
Other names: short protein forms T354I.
Identifiers: ClinVar variation 230240 (VCV000230240.20), dbSNP rs776939714, ClinGen allele CA8690812.

ClinVar aggregate classification (germline): Uncertain significance. Review status: criteria provided, multiple submitters, no conflicts (2 of 4 stars). 4 submissions from 4 submitters: Uncertain significance (4). Last evaluated 2025-04-23.

Conditions:
Hereditary cancer-predisposing syndrome. Also called: Hereditary Cancer Syndrome; Neoplastic Syndromes, Hereditary; Tumor predisposition; Hereditary neoplastic syndrome. Identifiers: Orphanet 140162, MedGen C0027672, MeSH D009386, MONDO:0015356.
Fanconi anemia complementation group J. Also called: BRIP1-Related Fanconi Anemia. Identifiers: Orphanet 84, MedGen C1836860, MONDO:0012187, OMIM 609054.
Familial cancer of breast. Also called: Hereditary breast cancer; hereditary breast carcinoma; BREAST CANCER, FAMILIAL. Identifiers: Orphanet 227535, MedGen C0346153, MONDO:0016419, OMIM 114480. Disease mechanism: loss of function.

Allele frequency attached by ClinVar (database versions not stated): ExAC 0.00001; gnomAD 0.00001; gnomAD exomes 0.00001.
gnomAD v4.1: 13 of 1,613,968 alleles (0.00081%); highest among the groups gnomAD compares: African/African-American, 0.0013%; no homozygotes.

Submissions (4):

Labcorp Genetics (formerly Invitae), Labcorp
Classification: Uncertain significance for Familial cancer of breast; Fanconi anemia complementation group J. Last evaluated: 2025-04-23. Review status: criteria provided, single submitter. Criteria: Invitae Variant Classification Sherloc (09022015). Collection method: clinical testing. Allele origin: germline.
Comment: This sequence change replaces threonine, which is neutral and polar, with isoleucine, which is neutral and non-polar, at codon 354 of the BRIP1 protein (p.Thr354Ile). This variant is present in population databases (rs776939714, gnomAD 0.004%). This missense change has been observed in individual(s) with ovarian cancer (PMID: 26315354). ClinVar contains an entry for this variant (Variation ID: 230240). Invitae Evidence Modeling of protein sequence and biophysical properties (such as structural, functional, and spatial information, amino acid conservation, physicochemical variation, residue mobility, and thermodynamic stability) indicates that this missense variant is not expected to disrupt BRIP1 protein function with a negative predictive value of 95%. In summary, the available evidence is currently insufficient to determine the role of this variant in disease. Therefore, it has been classified as a Variant of Uncertain Significance.

Ambry Genetics
Classification: Uncertain significance for Hereditary cancer-predisposing syndrome. Last evaluated: 2024-01-04. Review status: criteria provided, single submitter. Criteria: Ambry Variant Classification Scheme 2023. Collection method: clinical testing. Allele origin: germline.
Comment: The p.T354I variant (also known as c.1061C>T), located in coding exon 7 of the BRIP1 gene, results from a C to T substitution at nucleotide position 1061. The threonine at codon 354 is replaced by isoleucine, an amino acid with similar properties. In one study, this alteration was observed in 1/3236 cases with invasive epithelial ovarian cancer and 0/3431 controls (Ramus SJ et al. J. Natl. Cancer Inst., 2015 Nov;107). This amino acid position is not well conserved in available vertebrate species. In addition, the in silico prediction for this alteration is inconclusive. Since supporting evidence is limited at this time, the clinical significance of this alteration remains unclear.

Department of Pathology and Laboratory Medicine, Sinai Health System
Classification: Uncertain significance for Familial cancer of breast. Last evaluated: 2023-10-16. Review status: criteria provided, single submitter. Criteria: ACMG Guidelines, 2015. Collection method: clinical testing. Allele origin: germline. Affected: yes.

Color Diagnostics, LLC DBA Color Health
Classification: Uncertain significance for Hereditary cancer-predisposing syndrome. Last evaluated: 2019-08-05. Review status: criteria provided, single submitter. Criteria: ACMG Guidelines, 2015. Collection method: clinical testing. Allele origin: germline.
Comment: This missense variant replaces threonine with isoleucine at codon 354 of the BRIP1 protein. Computational prediction tools and conservation analyses are inconclusive regarding the impact of this variant on the protein function. Computational splicing tools suggest that this variant may not impact RNA splicing. To our knowledge, functional assays have not been performed for this variant nor has this variant been reported in individuals affected with hereditary cancer in the literature. This variant has been identified in 3/282730 chromosomes in the general population by the Genome Aggregation Database (gnomAD). Available evidence is insufficient to determine the role of this variant in disease conclusively. Therefore, this variant is classified as a Variant of Uncertain Significance.

Literature cited by the submitters: PubMed 26315354 (cited by 3 submitters).